The following is an entry in ClinVar:

NM_031885.5(BBS2):c.1797+7del

Gene: BBS2 (Bardet-Biedl syndrome 2; minus strand). Cytogenetic location: 16q13.
Variant type: Deletion.
Coding change: c.1797+7del on transcript NM_031885.5 (MANE Select); 7 bases into the intron after coding-DNA position 1797, one base deleted (G; older notation c.1797+7delG).
Molecular consequence: intron variant.
Genome position (GRCh38, 1-based): chr16:56,497,736, C deleted on the plus strand (G on the coding strand, the reverse complement: BBS2 is on the minus strand); the first of 3 consecutive C bases (chr16:56,497,736-56,497,738); deleting any one gives the same sequence. VCF-style (leftmost placement, unchanged base first): chr16-56497735-TC-T. GRCh37 (hg19) VCF-style: chr16-56531647-TC-T.
Other names: c.1797+7del (NM_001377456.1); c.1797+7delG (NM_031885.3).
Identifiers: ClinVar variation 1105411 (VCV001105411.10), dbSNP rs764642655, ClinGen allele CA8065626.

ClinVar aggregate classification (germline): Likely benign. Review status: criteria provided, single submitter (1 of 4 stars). 2 submissions from 2 submitters: Likely benign (1). 1 of the submissions does not count toward it. Last evaluated 2024-01-02.

Conditions:
BBS2-related disorder. Also called: BBS2-related condition; BBS2-related disorders. Identifiers: MedGen CN239228.
Bardet-Biedl syndrome (BBS). Identifiers: Orphanet 110, MedGen C0752166, MONDO:0015229.

Submissions (2):

Labcorp Genetics (formerly Invitae), Labcorp
Classification: Likely benign for Bardet-Biedl syndrome. Last evaluated: 2024-01-02. Review status: criteria provided, single submitter. Criteria: Invitae Variant Classification Sherloc (09022015). Collection method: clinical testing. Allele origin: germline.

PreventionGenetics, part of Exact Sciences
Classification: Likely benign for BBS2-related condition. Last evaluated: 2020-11-16. Review status: no assertion criteria provided. Collection method: clinical testing. Allele origin: germline. Not counted in ClinVar's aggregate classification.
Comment: This variant is classified as likely benign based on ACMG/AMP sequence variant interpretation guidelines (Richards et al. 2015 PMID: 25741868, with internal and published modifications).